The following is an entry in ClinVar:

ClinVar aggregate classification (germline): Benign/Likely benign. Review status: criteria provided, multiple submitters, no conflicts (2 of 4 stars). 5 submissions from 5 submitters: Benign (3); Likely benign (2). Last evaluated 2026-01-21.

Conditions:
Primary ciliary dyskinesia. Also called: Ciliary dyskinesia. Identifiers: Orphanet 244, MedGen C0008780, MONDO:0016575, HP:0012265.

Allele frequency attached by ClinVar (database versions not stated): gnomAD exomes 0.00023 and 0.00070; ExAC 0.00090; 1000 Genomes Project 0.00260; 1000 Genomes Project 30x 0.00297; gnomAD 0.00304 and 0.00327; TOPMed 0.00331; ESP Exome Variant Server 0.00338.
gnomAD v4.1: 810 of 1,614,072 alleles (0.05%); highest among the groups gnomAD compares: African/African-American, 0.97%; 3 homozygotes.

Submissions (5):

Labcorp Genetics (formerly Invitae), Labcorp
Classification: Benign for Primary ciliary dyskinesia. Last evaluated: 2026-01-21. Review status: criteria provided, single submitter. Criteria: Invitae Variant Classification Sherloc (09022015). Collection method: clinical testing. Allele origin: germline.

Mayo Clinic Laboratories, Mayo Clinic
Classification: Likely benign. Last evaluated: 2025-09-30. Review status: criteria provided, single submitter. Criteria: ACMG Guidelines, 2015. Collection method: clinical testing. Allele origin: germline. Observed: 1 variant allele.
Comment: BS1, BP4_moderate

Ambry Genetics
Classification: Benign for Primary ciliary dyskinesia. Last evaluated: 2025-04-23. Review status: criteria provided, single submitter. Criteria: Ambry Variant Classification Scheme 2023. Collection method: clinical testing. Allele origin: germline.

Blueprint Genetics
Classification: Likely benign. Last evaluated: 2024-09-18. Review status: criteria provided, single submitter. Criteria: ACMG Guidelines, 2015. Collection method: clinical testing. Allele origin: germline.

PreventionGenetics, part of Exact Sciences
Classification: Benign. Review status: criteria provided, single submitter. Criteria: ACMG Guidelines, 2015. Collection method: clinical testing. Allele origin: germline.

NM_017950.4(CCDC40):c.1220T>C (p.Ile407Thr)

Gene: CCDC40 (coiled-coil domain 40 molecular ruler complex subunit; plus strand). Cytogenetic location: 17q25.3.
Variant type: single nucleotide variant.
Coding change: c.1220T>C on transcript NM_017950.4 (MANE Select); coding-DNA position 1220, T replaced by C.
Protein change: p.Ile407Thr; replaces isoleucine 407 with threonine.
Molecular consequence: missense variant.
Genome position (GRCh38, 1-based): chr17:80,058,554, T>C. VCF-style: chr17-80058554-T-C. GRCh37 (hg19) VCF-style: chr17-78032353-T-C.
Other names: p.Ile407Thr; c.1220T>C, p.Ile407Thr (NM_001243342.2, NM_001330508.2); short protein forms I407T.
Identifiers: ClinVar variation 260949 (VCV000260949.18), dbSNP rs141185078, ClinGen allele CA8813739.